The following is an entry in ClinVar:

ClinVar aggregate classification (germline): Conflicting classifications of pathogenicity. Review status: criteria provided, conflicting classifications (1 of 4 stars). 2 submissions from 2 submitters: Uncertain significance (1); Likely benign (1). Last evaluated 2024-01-10.

Conditions:
Hereditary cancer-predisposing syndrome. Also called: Tumor predisposition; Neoplastic Syndromes, Hereditary; Hereditary Cancer Syndrome; Hereditary neoplastic syndrome. Identifiers: Orphanet 140162, MedGen C0027672, MeSH D009386, MONDO:0015356.
Hereditary diffuse gastric adenocarcinoma (HDGC). Also called: DIFFUSE GASTRIC AND LOBULAR BREAST CANCER SYNDROME. Identifiers: Orphanet 26106, MedGen C1708349, MONDO:0007648, OMIM 137215.

Submissions (2):

Ambry Genetics
Classification: Uncertain significance for Hereditary cancer-predisposing syndrome. Last evaluated: 2024-01-10. Review status: criteria provided, single submitter. Criteria: Ambry Variant Classification Scheme 2023. Collection method: clinical testing. Allele origin: germline.
Comment: The c.2175G>A variant (also known as p.L725L), located in coding exon 14 of the CDH1 gene, results from a G to A substitution at nucleotide position 2175. This nucleotide substitution does not change the leucine at codon 725. This nucleotide position is well conserved in available vertebrate species. In silico splice site analysis for this alteration is inconclusive and direct evidence is insufficient at this time (Ambry internal data). Since supporting evidence is limited at this time, the clinical significance of this alteration remains unclear.

Labcorp Genetics (formerly Invitae), Labcorp
Classification: Likely benign for Hereditary diffuse gastric adenocarcinoma. Last evaluated: 2023-02-02. Review status: criteria provided, single submitter. Criteria: Invitae Variant Classification Sherloc (09022015). Collection method: clinical testing. Allele origin: germline.

NM_004360.5(CDH1):c.2175G>A (p.Leu725=)

Gene: CDH1 (cadherin 1; plus strand). Cytogenetic location: 16q22.1.
Variant type: single nucleotide variant.
Coding change: c.2175G>A on transcript NM_004360.5 (MANE Select); coding-DNA position 2175, G replaced by A.
Protein change: p.Leu725=; no amino-acid change (leucine 725 retained).
Molecular consequence: synonymous variant.
Genome position (GRCh38, 1-based): chr16:68,828,184, G>A. VCF-style: chr16-68828184-G-A. GRCh37 (hg19) VCF-style: chr16-68862087-G-A.
Other names: c.1992G>A, p.Leu664= (NM_001317184.2); c.627G>A, p.Leu209= (NM_001317185.2); c.210G>A, p.Leu70= (NM_001317186.2).
Identifiers: ClinVar variation 1787175 (VCV001787175.5), dbSNP rs2152141385, ClinGen allele CA496157118.
Genomic context (GRCh38, chr16:68,828,184, plus strand): 5'-TTCTTTATCTTTGGCTCTCAACACTTGCTCTGTCTCCCCCACCATCCCAGTTCTGATTCT[G>A]CTGCTCTTGCTGTTTCTTCGGAGGAGAGCGGTGGTCAAAGAGCCCTTACTGCCCCCAGAG-3'
Protein context (NP_004351.1, residues 715-735): GGILALLILI[Leu725=]LLLLFLRRRA